The following is an entry in ClinVar:

ClinVar aggregate classification (germline): Pathogenic (1 of 4 stars; one submission).

Conditions:
Early-infantile DEE. Also called: Ohtahara syndrome; Early infantile epileptic encephalopathy with suppression bursts; Early infantile epileptic encephalopathy. Identifiers: Orphanet 1934, MedGen C0393706, MONDO:0800491.

Submission:

Labcorp Genetics (formerly Invitae), Labcorp
Classification: Pathogenic for Early-infantile DEE. Last evaluated: 2023-05-16. Review status: criteria provided, single submitter. Criteria: Invitae Variant Classification Sherloc (09022015). Collection method: clinical testing. Allele origin: germline.
Comment: For these reasons, this variant has been classified as Pathogenic. This variant has not been reported in the literature in individuals affected with SCN1A-related conditions. This variant is not present in population databases (gnomAD no frequency). This sequence change creates a premature translational stop signal (p.Ala813Glnfs*5) in the SCN1A gene. It is expected to result in an absent or disrupted protein product. Loss-of-function variants in SCN1A are known to be pathogenic (PMID: 17347258, 18930999).

Literature cited by the submitters: PubMed 17347258; PubMed 18930999.

NM_001165963.4(SCN1A):c.2437del (p.Ala813fs)

Gene: SCN1A (sodium voltage-gated channel alpha subunit 1; minus strand). Cytogenetic location: 2q24.3.
Variant type: Deletion.
Coding change: c.2437del on transcript NM_001165963.4 (MANE Select); coding-DNA position 2437, one base deleted (G; older notation c.2437delG).
Protein change: p.Ala813fs; shifts the reading frame from alanine 813.
Molecular consequence: frameshift variant. On other transcripts: 5 prime UTR variant (1), non-coding transcript variant (1).
Genome position (GRCh38, 1-based): chr2:166,039,575, C deleted on the plus strand (G on the coding strand, the reverse complement: SCN1A is on the minus strand). VCF-style (leftmost placement, unchanged base first): chr2-166039574-GC-G. GRCh37 (hg19) VCF-style: chr2-166896084-GC-G.
Other names: c.2404del, p.Ala802fs (NM_001353951.2, NM_001353952.2, NM_006920.6 and 2 more transcripts); c.2401del, p.Ala801fs (NM_001353954.2, NM_001353955.2); c.2353del, p.Ala785fs (NM_001353957.2, NM_001353958.2, NM_001165964.3); c.2350del, p.Ala784fs (NM_001353960.2); c.-6del (NM_001353961.2); c.2437del, p.Ala813fs (NM_001202435.3, NM_001353948.2); short protein forms A784fs, A813fs, A785fs, A802fs, A801fs.
Identifiers: ClinVar variation 2865026 (VCV002865026.3), dbSNP rs2468115555, ClinGen allele CA2739271496.